The following is an entry in ClinVar:

ClinVar aggregate classification (germline): Uncertain significance. Review status: criteria provided, multiple submitters, no conflicts (2 of 4 stars). 3 submissions from 3 submitters: Uncertain significance (3). Last evaluated 2026-03-16.

Conditions:
Hereditary cancer-predisposing syndrome. Also called: Tumor predisposition; Hereditary neoplastic syndrome; Neoplastic Syndromes, Hereditary; Hereditary Cancer Syndrome. Identifiers: Orphanet 140162, MedGen C0027672, MeSH D009386, MONDO:0015356.
Classic or attenuated familial adenomatous polyposis. Identifiers: MedGen CN372698, MONDO:0021057.

Submissions (3):

Ambry Genetics
Classification: Uncertain significance for Hereditary cancer-predisposing syndrome. Last evaluated: 2026-03-16. Review status: criteria provided, single submitter. Criteria: Ambry Variant Classification Scheme 2023. Collection method: clinical testing. Allele origin: germline.
Comment: The p.L469V variant (also known as c.1405C>G), located in coding exon 10 of the APC gene, results from a C to G substitution at nucleotide position 1405. The leucine at codon 469 is replaced by valine, an amino acid with highly similar properties. This amino acid position is highly conserved in available vertebrate species. In addition, in silico predictors for this gene do not accurately predict pathogenicity. Based on the available evidence, the clinical significance of this variant remains unclear.

Color Diagnostics, LLC DBA Color Health
Classification: Uncertain significance for Hereditary cancer-predisposing syndrome. Last evaluated: 2025-11-04. Review status: criteria provided, single submitter. Criteria: ACMG Guidelines, 2015. Collection method: clinical testing. Allele origin: germline.
Comment: This missense variant replaces leucine with valine at codon 469 of the APC protein. Computational prediction suggests that this variant may not impact protein structure and function. Splice prediction tools suggest that this variant may disrupt RNA splicing. To our knowledge, RNA studies have not been reported for this variant. This variant has not been reported in individuals affected with APC-related disorders in the literature. This variant has not been identified in the general population by the Genome Aggregation Database (gnomAD). The available evidence is insufficient to determine the role of this variant in disease conclusively. Therefore, this variant is classified as a Variant of Uncertain Significance.

All of Us Research Program, National Institutes of Health
Classification: Uncertain significance for Classic or attenuated familial adenomatous polyposis. Last evaluated: 2023-10-30. Review status: criteria provided, single submitter. Criteria: ACMG Guidelines, 2015. Collection method: clinical testing. Allele origin: germline. Inheritance: Autosomal dominant inheritance. Observed: 2 variant alleles, 2 heterozygotes.
Comment: This missense variant replaces leucine with valine at codon 469 of the APC protein. Computational prediction suggests that this variant may not impact protein structure and function (internally defined REVEL score threshold <= 0.5, PMID: 27666373). Splice site prediction tools suggest that this variant may impact RNA splicing. To our knowledge, functional studies have not been reported for this variant. This variant has not been reported in individuals affected with APC-related disorders in the literature. This variant has not been identified in the general population by the Genome Aggregation Database (gnomAD). The available evidence is insufficient to determine the role of this variant in disease conclusively. Therefore, this variant is classified as a Variant of Uncertain Significance.

This study involves interpretation of variants in research participants for the purpose of population health screening. Participant phenotype was not available at the time of variant classification. Additional details can be found in publication PMID: 35346344, PMCID: PMC8962531

NM_000038.6(APC):c.1405C>G (p.Leu469Val)

Gene: APC (APC regulator of Wnt signaling pathway; plus strand). Cytogenetic location: 5q22.2.
Variant type: single nucleotide variant.
Coding change: c.1405C>G on transcript NM_000038.6 (MANE Select); coding-DNA position 1405, C replaced by G.
Protein change: p.Leu469Val; replaces leucine 469 with valine.
Molecular consequence: missense variant.
Genome position (GRCh38, 1-based): chr5:112,821,988, C>G. VCF-style: chr5-112821988-C-G. GRCh37 (hg19) VCF-style: chr5-112157685-C-G.
Other names: c.1405C>G, p.Leu469Val (NM_001127510.3, NM_001354895.2, NM_001354896.2); c.1351C>G, p.Leu451Val (NM_001127511.3); c.1435C>G, p.Leu479Val (NM_001354897.2); c.1330C>G, p.Leu444Val (NM_001354898.2); c.1321C>G, p.Leu441Val (NM_001354899.2); c.1228C>G, p.Leu410Val (NM_001354900.2, NM_001354901.2); c.1132C>G, p.Leu378Val (NM_001354902.2); c.1102C>G, p.Leu368Val (NM_001354903.2); and 3 more; short protein forms L451V, L469V, L186V, L410V, L441V, L479V, L309V, L343V.
Identifiers: ClinVar variation 489413 (VCV000489413.9), dbSNP rs746293695, ClinGen allele CA16024387.